The following is an entry in ClinVar:

NM_000218.3(KCNQ1):c.458C>T (p.Thr153Met)

Gene: KCNQ1 (potassium voltage-gated channel subfamily Q member 1; plus strand). Cytogenetic location: 11p15.5.
Variant type: single nucleotide variant.
Coding change: c.458C>T on transcript NM_000218.3 (MANE Select); coding-DNA position 458, C replaced by T.
Protein change: p.Thr153Met; replaces threonine 153 with methionine.
Molecular consequence: missense variant.
Genome position (GRCh38, 1-based): chr11:2,527,999, C>T. VCF-style: chr11-2527999-C-T. GRCh37 (hg19) VCF-style: chr11-2549229-C-T.
Other names: NM_000218.3(KCNQ1):c.458C>T; c.458C>T, p.Thr153Met (NM_001406836.1, NM_001406838.1); c.188C>T, p.Thr63Met (NM_001406837.1); c.77C>T, p.Thr26Met (NM_181798.2); c.458C>T (LRG_287t1); short protein forms T153M, T26M, T63M.
Identifiers: ClinVar variation 67075 (VCV000067075.38), dbSNP rs143709408, ClinGen allele CA007144.

ClinVar aggregate classification (germline): Likely benign. Review status: reviewed by expert panel (3 of 4 stars). 13 submissions from 13 submitters: Likely benign (1). 12 of the submissions do not count toward it. Last evaluated 2025-07-01.

Conditions:
Cardiac arrhythmia. Also called: Arrhythmia; Cardiac rhythm disease. Identifiers: MedGen C0003811, MONDO:0007263, HP:0011675.
Long QT syndrome (LQTS). Identifiers: MedGen C0023976, MeSH D008133, MONDO:0002442. Disease mechanism: loss of function. Inheritance: Various modes of inheritance.
Long QT syndrome 1 (LQT1). Identifiers: Orphanet 101016, Orphanet 768, MedGen C4551647, MONDO:0100316, OMIM 192500, MONDO:0008646.
Hypertrophic cardiomyopathy. Also called: HYPERTROPHIC MYOCARDIOPATHY. Identifiers: Orphanet 217569, MedGen C0007194, MeSH D002312, MONDO:0005045, HP:0001639.
Cardiovascular phenotype. Identifiers: MedGen CN230736.

Allele frequency attached by ClinVar (database versions not stated): gnomAD exomes 0.00016; ExAC 0.00018; 1000 Genomes Project 30x 0.00031; gnomAD 0.00036; TOPMed 0.00036; 1000 Genomes Project 0.00040; ESP Exome Variant Server 0.00046.
gnomAD v4.1: 253 of 1,613,682 alleles (0.016%); highest among the groups gnomAD compares: African/African-American, 0.064%; no homozygotes.

Submissions (13):

ClinGen Potassium Channel Arrhythmia Variant Curation Expert Panel, ClinGen
Classification: Likely benign for Long QT syndrome 1. Last evaluated: 2025-07-01. Review status: reviewed by expert panel. Criteria: ClinGen KChannel ACMG Specifications KCNQ1 V1.0.0 2. Collection method: curation. Allele origin: germline. Inheritance: Autosomal dominant inheritance.
Comment: NM_000218.3(KCNQ1):c.458C>T is a missense variant predicted to cause substitution of threonine by methionine at amino acid 153 (p.Thr153Met). The patient has a KCNH2 variant, p.Arg752Trp, that is P/LP in ClinVar. (BP5; PMID: 28794082). This variant is present in gnomAD v.4.1.0 at a maximum allele frequency of 0.0006396, with 48 alleles / 75052 total alleles in the African/African American population, which is higher than the ClinGen Potassium Channel Arrhythmia VCEP BS1 threshold of >0.0004 (BS1). In summary, this variant meets the criteria to be classified as likely benign for long QT syndrome 1 based on the ACMG/AMP criteria applied, as specified by the ClinGen Potassium Channel Arrhythmia VCEP: BP5, BS1. (VCEP specifications version 1.0.0; date of approval 03/04/2025).

Labcorp Genetics (formerly Invitae), Labcorp
Classification: Likely benign for Long QT syndrome. Last evaluated: 2026-01-07. Review status: criteria provided, single submitter. Criteria: Invitae Variant Classification Sherloc (09022015). Collection method: clinical testing. Allele origin: germline. Not counted in ClinVar's aggregate classification.

GeneDx
Classification: Uncertain significance. Last evaluated: 2025-06-11. Review status: criteria provided, single submitter. Criteria: GeneDx Variant Classification Process June 2021. Collection method: clinical testing. Allele origin: germline. Affected: yes. Not counted in ClinVar's aggregate classification.
Comment: Functional studies showed some current changes and a potential expression defect, but most data was not significant (PMID: 39969993); In silico analysis suggests that this missense variant does not alter protein structure/function; This variant is associated with the following publications: (PMID: 26159999, 26332594, 32797034, 25637381, 22581653, 24055113, 29197658, 25351510, 19841300, 30571187, 19716085, 28988457, 35130036, 32048431, 23396983, 36293497, 28794082, 39969993)

Blueprint Genetics
Classification: Likely benign. Last evaluated: 2024-04-03. Review status: criteria provided, single submitter. Criteria: ACMG Guidelines, 2015. Collection method: clinical testing. Allele origin: germline. Not counted in ClinVar's aggregate classification.

Color Diagnostics, LLC DBA Color Health
Classification: Likely benign for Cardiac arrhythmia. Last evaluated: 2024-03-25. Review status: criteria provided, single submitter. Criteria: ACMG Guidelines, 2015. Collection method: clinical testing. Allele origin: germline. Not counted in ClinVar's aggregate classification.

All of Us Research Program, National Institutes of Health
Classification: Uncertain significance for Long QT syndrome. Last evaluated: 2024-02-05. Review status: criteria provided, single submitter. Criteria: ACMG Guidelines, 2015. Collection method: clinical testing. Allele origin: germline. Inheritance: Autosomal dominant inheritance. Observed: 49 variant alleles, 49 heterozygotes. Not counted in ClinVar's aggregate classification.
Comment: This missense variant replaces threonine with methionine at codon 153 of the KCNQ1 protein. Computational prediction suggests that this variant may have deleterious impact on protein structure and function (internally defined REVEL score threshold >= 0.7, PMID: 27666373). A functional study has shown the variant to result in a partially reduced sodium current density compared to the wild type (PMID: 30571187). This variant has been reported in a few individuals affected with long QT syndrome (PMID: 19716085, 28794082, 29197658). One of these individuals carried a disease-causing variant in a different gene that could explain the observed phenotype (PMID: 28794082). This variant has also been observed in an individual affected with hypertrophic cardiomyopathy (PMID: 23396983) and in another individual who experienced sudden unexplained death (PMID: 36293497). This variant has been identified in 49/282700 chromosomes in the general population by the Genome Aggregation Database (gnomAD). The relatively high frequency of this variant in the general population suggests that this variant is unlikely to be disease-causing. However, additional studies are necessary to determine the role of this variant in disease conclusively. Therefore, this variant is classified as a Variant of Uncertain Significance.

This study involves interpretation of variants in research participants for the purpose of population health screening. Participant phenotype was not available at the time of variant classification. Additional details can be found in publication PMID: 35346344, PMCID: PMC8962531

Dept of Medical Biology, Uskudar University
Classification: Uncertain significance for Long QT syndrome. Last evaluated: 2024-01-08. Review status: criteria provided, single submitter. Criteria: Dept of Medical Biology Variant Classification. Collection method: research. Allele origin: unknown. Affected: yes. Observed: 1 variant allele. Not counted in ClinVar's aggregate classification.
Comment: Criteria: PS4_Moderate, PM1

Ambry Genetics
Classification: Likely benign for Cardiovascular phenotype. Last evaluated: 2022-10-31. Review status: criteria provided, single submitter. Criteria: Ambry Variant Classification Scheme 2023. Collection method: clinical testing. Allele origin: germline. Not counted in ClinVar's aggregate classification.

Center for Advanced Laboratory Medicine, UC San Diego Health, University of California San Diego
Classification: Likely benign for Hypertrophic cardiomyopathy. Last evaluated: 2019-04-01. Review status: criteria provided, single submitter. Criteria: ACMG Guidelines, 2015. Collection method: clinical testing. Allele origin: germline. Affected: yes. Observed: 1 variant allele. Not counted in ClinVar's aggregate classification.

Stanford Center for Inherited Cardiovascular Disease, Stanford University
Classification: Uncertain significance. Last evaluated: 2017-12-08. Review status: criteria provided, single submitter. Criteria: ACMG Guidelines, 2015. Collection method: provider interpretation. Allele origin: germline. Not counted in ClinVar's aggregate classification.

Laboratory for Molecular Medicine, Mass General Brigham Personalized Medicine
Classification: Uncertain significance. Last evaluated: 2016-03-31. Review status: criteria provided, single submitter. Criteria: LMM Criteria. Collection method: clinical testing. Allele origin: germline. Not counted in ClinVar's aggregate classification.
Comment: Variant identified in a genome or exome case(s) and assessed due to predicted null impact of the variant or pathogenic assertions in the literature or databases. Disclaimer: This variant has not undergone full assessment. ExAC: 5/10404 African chromosomes; ClinVar: 1 VUS

CSER _CC_NCGL, University of Washington
Classification: Uncertain significance for Long QT syndrome. Last evaluated: 2014-06-01. Review status: no assertion criteria provided. Collection method: research. Allele origin: germline. Inheritance: Autosomal dominant inheritance. Study: ESP 6500 variant annotation. Not counted in ClinVar's aggregate classification.
Comment: Variants classified for the Actionable exomic incidental findings in 6503 participants: challenges of variant classification manuscript

Cardiovascular Biomedical Research Unit, Royal Brompton & Harefield NHS Foundation Trust
No classification provided. Review status: no classification provided. Collection method: literature only. Allele origin: germline. Not counted in ClinVar's aggregate classification.
Comment: This variant has been reported in the following publications (PMID:19716085).

Literature cited by the submitters: PubMed 19716085 (cited by All of Us Research Program, National Institutes of Health and Cardiovascular Biomedical Research Unit, Royal Brompton & Harefield NHS Foundation Trust); PubMed 23396983 (cited by All of Us Research Program, National Institutes of Health and Ambry Genetics); PubMed 28794082 (cited by All of Us Research Program, National Institutes of Health and Ambry Genetics); PubMed 29197658 (cited by All of Us Research Program, National Institutes of Health and Ambry Genetics); PubMed 30571187 (cited by All of Us Research Program, National Institutes of Health and Ambry Genetics); PubMed 36293497 (cited by All of Us Research Program, National Institutes of Health); PubMed 24055113 (cited by Ambry Genetics); PubMed 25637381 (cited by Ambry Genetics); PubMed 26332594 (cited by Ambry Genetics); PubMed 22581653 (cited by Cardiovascular Biomedical Research Unit, Royal Brompton & Harefield NHS Foundation Trust).